The following is an entry in ClinVar:

NM_001130009.3(GEN1):c.1408+1G>A

Gene: GEN1 (GEN1 structure-specific endonuclease; plus strand). Cytogenetic location: 2p24.2.
Variant type: single nucleotide variant.
Coding change: c.1408+1G>A on transcript NM_001130009.3 (MANE Select); the canonical splice donor site of the intron after coding-DNA position 1408, G replaced by A.
Molecular consequence: splice donor variant.
Genome position (GRCh38, 1-based): chr2:17,780,122, G>A. VCF-style: chr2-17780122-G-A. GRCh37 (hg19) VCF-style: chr2-17961389-G-A.
Other names: c.1408+1G>A (NM_182625.5).
Identifiers: ClinVar variation 1479893 (VCV001479893.6), dbSNP rs373017593, ClinGen allele CA1540755.

ClinVar aggregate classification (germline): Uncertain significance (1 of 4 stars; one submission).

Allele frequency attached by ClinVar (database versions not stated): TOPMed below 0.00001; gnomAD exomes 0.00001; ExAC 0.00002; ESP Exome Variant Server 0.00008.

Submission:

Labcorp Genetics (formerly Invitae), Labcorp
Classification: Uncertain significance. Last evaluated: 2023-01-04. Review status: criteria provided, single submitter. Criteria: Invitae Variant Classification Sherloc (09022015). Collection method: clinical testing. Allele origin: germline.
Comment: In summary, the available evidence is currently insufficient to determine the role of this variant in disease. Therefore, it has been classified as a Variant of Uncertain Significance. Variants that disrupt the consensus splice site are a relatively common cause of aberrant splicing (PMID: 17576681, 9536098). Algorithms developed to predict the effect of sequence changes on RNA splicing suggest that this variant may disrupt the consensus splice site. ClinVar contains an entry for this variant (Variation ID: 1479893). This variant has not been reported in the literature in individuals affected with GEN1-related conditions. This variant is present in population databases (rs373017593, gnomAD 0.005%). This sequence change falls in intron 13 of the GEN1 gene. It does not directly change the encoded amino acid sequence of the GEN1 protein. It affects a nucleotide within the consensus splice site.

Literature cited by the submitters: PubMed 17576681; PubMed 9536098.